The following is an entry in ClinVar:

ClinVar aggregate classification (germline): Conflicting classifications of pathogenicity. Review status: criteria provided, conflicting classifications (1 of 4 stars). 2 submissions from 2 submitters: Pathogenic (1); Uncertain significance (1). Last evaluated 2025-04-15.

Conditions:
Hypothyroidism due to TSH receptor mutations. Also called: Hypothyroidism, congenital, nongoitrous, 1; HYPOTHYROIDISM DUE TO UNRESPONSIVENESS TO THYROTROPIN; HYPOTHYROIDISM, CONGENITAL, DUE TO TSH RESISTANCE; HYPOTHYROIDISM, NONAUTOIMMUNE; THYROID-STIMULATING HORMONE, RESISTANCE TO; TSH RESISTANCE. Identifiers: Orphanet 90673, MedGen C3493776, MONDO:0010142, OMIM 275200.

gnomAD v4.1: 5 of 1,613,988 alleles (0.00031%); highest among the groups gnomAD compares: Middle Eastern, 0.017%; no homozygotes.

Submissions (2):

Constantin Polychronakos Laboratory, The Research Institute of the McGill University Health Centre
Classification: Pathogenic for Hypothyroidism due to TSH receptor mutations. Last evaluated: 2025-04-15. Review status: criteria provided, single submitter. Criteria: ACMG Guidelines, 2015. Collection method: clinical testing. Allele origin: germline. Affected: yes.
Comment: The variant allele was found at a frequency of 0.00000342 in the GnomAD database, with no homozygous occurrence (PM2). Variant has been reported in ClinVar as Uncertain significance (★). It also has been reported previously to cause congenital hypothyroidism in literature (PubMed: 30240412). Another variant affecting the same amino acid position but resulting in a different missense (i.e. P162A) has been classified as Likely pathogenic (PM5). Patient’s phenotype or family history is highly specific for congenital hypothyroidism due to TSHR mutations (PP4). The variant detected in a homozygous state in affected cases in congenital hypothyroidism due to TSHR mutation with a possibility of recessive inheritance (PM3). c.484C>T is located in a mutational hot spot without benign variation (PM1). According to the ACMG guideline, this variant is classified as a Pathogenic variant.

Department of Genetics, Sultan Qaboos University Hospital
Classification: Uncertain significance for Hypothyroidism due to TSH receptor mutations. Last evaluated: 2017-12-30. Review status: criteria provided, single submitter. Criteria: ACMG Guidelines, 2015. Collection method: curation. Allele origin: unknown. Affected: yes.

Literature cited by the submitters: DOI 10.3389/fendo.2025.1559281 (cited by Constantin Polychronakos Laboratory, The Research Institute of the McGill University Health Centre); PubMed 30240412 (cited by Constantin Polychronakos Laboratory, The Research Institute of the McGill University Health Centre).

NM_000369.5(TSHR):c.484C>T (p.Pro162Ser)

Genes: TSHR-AS1 (TSHR antisense RNA 1; minus strand), TSHR (thyroid stimulating hormone receptor; plus strand). Cytogenetic location: 14q31.1.
Variant type: single nucleotide variant.
Coding change: c.484C>T on transcript NM_000369.5 (MANE Select); coding-DNA position 484, C replaced by T.
Protein change: p.Pro162Ser; replaces proline 162 with serine.
Molecular consequence: missense variant.
Genome position (GRCh38, 1-based): chr14:81,092,547, C>T. VCF-style: chr14-81092547-C-T. GRCh37 (hg19) VCF-style: chr14-81558891-C-T.
Other names: c.484C>T, p.Pro162Ser (NM_001018036.3, NM_001142626.3); short protein forms P162S.
Identifiers: ClinVar variation 623326 (VCV000623326.3), dbSNP rs121908863, ClinGen allele CA390734741.